The following is an entry in ClinVar:

ClinVar aggregate classification (germline): Uncertain significance (1 of 4 stars; one submission).

Allele frequency attached by ClinVar (database versions not stated): gnomAD 0.00001; TOPMed 0.00001.
gnomAD v4.1: 25 of 1,613,948 alleles (0.0015%); highest among the groups gnomAD compares: Non-Finnish European, 0.0018%; no homozygotes.

Submission:

Labcorp Genetics (formerly Invitae), Labcorp
Classification: Uncertain significance. Last evaluated: 2022-06-09. Review status: criteria provided, single submitter. Criteria: Invitae Variant Classification Sherloc (09022015). Collection method: clinical testing. Allele origin: germline.
Comment: Algorithms developed to predict the effect of missense changes on protein structure and function are either unavailable or do not agree on the potential impact of this missense change (SIFT: "Deleterious"; PolyPhen-2: "Probably Damaging"; Align-GVGD: "Class C15"). In summary, the available evidence is currently insufficient to determine the role of this variant in disease. Therefore, it has been classified as a Variant of Uncertain Significance. Algorithms developed to predict the effect of sequence changes on RNA splicing suggest that this variant may create or strengthen a splice site. ClinVar contains an entry for this variant (Variation ID: 942241). This variant has not been reported in the literature in individuals affected with SZT2-related conditions. This variant is present in population databases (rs199717851, gnomAD 0.0009%). This sequence change replaces proline, which is neutral and non-polar, with arginine, which is basic and polar, at codon 1498 of the SZT2 protein (p.Pro1498Arg).

NM_001365999.1(SZT2):c.4664C>G (p.Pro1555Arg)

Gene: SZT2 (SZT2 subunit of KICSTOR complex; plus strand). Cytogenetic location: 1p34.2.
Variant type: single nucleotide variant.
Coding change: c.4664C>G on transcript NM_001365999.1 (MANE Select); coding-DNA position 4664, C replaced by G.
Protein change: p.Pro1555Arg; replaces proline 1555 with arginine.
Molecular consequence: missense variant.
Genome position (GRCh38, 1-based): chr1:43,430,679, C>G. VCF-style: chr1-43430679-C-G. GRCh37 (hg19) VCF-style: chr1-43896350-C-G.
Other names: c.4493C>G, p.Pro1498Arg (NM_015284.4); short protein forms P1498R, P1555R.
Identifiers: ClinVar variation 942241 (VCV000942241.9), dbSNP rs199717851, ClinGen allele CA809344.